The following is an entry in ClinVar:

NM_004329.3(BMPR1A):c.923T>A (p.Ile308Asn)

Gene: BMPR1A (bone morphogenetic protein receptor type 1A; plus strand). Cytogenetic location: 10q23.2.
Variant type: single nucleotide variant.
Coding change: c.923T>A on transcript NM_004329.3 (MANE Select); coding-DNA position 923, T replaced by A.
Protein change: p.Ile308Asn; replaces isoleucine 308 with asparagine.
Molecular consequence: missense variant. On other transcripts: non-coding transcript variant (3).
Genome position (GRCh38, 1-based): chr10:86,919,226, T>A. VCF-style: chr10-86919226-T-A. GRCh37 (hg19) VCF-style: chr10-88678983-T-A.
Other names: c.923T>A, p.Ile308Asn (NM_001406572.1, NM_001406573.1, NM_001406574.1 and 19 more transcripts); c.998T>A, p.Ile333Asn (NM_001406559.1); c.971T>A, p.Ile324Asn (NM_001406560.1); c.917T>A, p.Ile306Asn (NM_001406583.1); c.839T>A, p.Ile280Asn (NM_001406584.1, NM_001406585.1, NM_001406586.1 and 2 more transcripts); c.581T>A, p.Ile194Asn (NM_001406589.1); short protein forms I333N, I324N, I194N, I280N, I306N, I308N.
Identifiers: ClinVar variation 5033026 (VCV005033026.1).

ClinVar aggregate classification (germline): Uncertain significance (1 of 4 stars; one submission).

Conditions:
Hereditary cancer-predisposing syndrome. Also called: Neoplastic Syndromes, Hereditary; Tumor predisposition; Hereditary neoplastic syndrome; Hereditary Cancer Syndrome. Identifiers: Orphanet 140162, MedGen C0027672, MeSH D009386, MONDO:0015356.

Submission:

Ambry Genetics
Classification: Uncertain significance for Hereditary cancer-predisposing syndrome. Last evaluated: 2026-07-07. Review status: criteria provided, single submitter. Criteria: Ambry Variant Classification Scheme 2023. Collection method: clinical testing. Allele origin: germline.
Comment: The p.I308N variant (also known as c.923T>A), located in coding exon 8 of the BMPR1A gene, results from a T to A substitution at nucleotide position 923. The isoleucine at codon 308 is replaced by asparagine, an amino acid with dissimilar properties. This amino acid position is conserved. In addition, this alteration is predicted to be deleterious by in silico analysis. Based on the available evidence, the clinical significance of this variant remains unclear.